The following is an entry in ClinVar:

NM_021625.5(TRPV4):c.1952A>C (p.Asn651Thr)

Gene: TRPV4 (transient receptor potential cation channel subfamily V member 4; minus strand). Cytogenetic location: 12q24.11.
Variant type: single nucleotide variant.
Coding change: c.1952A>C on transcript NM_021625.5 (MANE Select); coding-DNA position 1952, A replaced by C.
Protein change: p.Asn651Thr; replaces asparagine 651 with threonine.
Molecular consequence: missense variant.
Genome position (GRCh38, 1-based): chr12:109,788,656, T>G on the plus strand (A>C on the coding strand, the complement: TRPV4 is on the minus strand). VCF-style: chr12-109788656-T-G. GRCh37 (hg19) VCF-style: chr12-110226461-T-G.
Other names: c.1811A>C, p.Asn604Thr (NM_001177428.2); c.1850A>C, p.Asn617Thr (NM_001177431.2); c.1631A>C, p.Asn544Thr (NM_001177433.2); c.1772A>C, p.Asn591Thr (NM_147204.3); short protein forms N591T, N617T, N651T, N604T, N544T.
Identifiers: ClinVar variation 2064704 (VCV002064704.3), dbSNP rs2548718570, ClinGen allele CA386651039.

ClinVar aggregate classification (germline): Uncertain significance (1 of 4 stars; one submission).

Conditions:
Charcot-Marie-Tooth disease axonal type 2C (HMSN2C). Also called: CHARCOT-MARIE-TOOTH DISEASE, AXONAL, AUTOSOMAL DOMINANT, TYPE 2C; Charcot-Marie-Tooth Neuropathy Type 2C; Charcot-Marie-Tooth Disease Type 2, TRPV4-Related (CMT2C). Identifiers: Orphanet 99937, MedGen C1853710, MONDO:0011633, OMIM 606071.

Submission:

Labcorp Genetics (formerly Invitae), Labcorp
Classification: Uncertain significance for Charcot-Marie-Tooth disease axonal type 2C. Last evaluated: 2022-04-28. Review status: criteria provided, single submitter. Criteria: Invitae Variant Classification Sherloc (09022015). Collection method: clinical testing. Allele origin: germline.
Comment: In summary, the available evidence is currently insufficient to determine the role of this variant in disease. Therefore, it has been classified as a Variant of Uncertain Significance. Advanced modeling of protein sequence and biophysical properties (such as structural, functional, and spatial information, amino acid conservation, physicochemical variation, residue mobility, and thermodynamic stability) performed at Invitae indicates that this missense variant is not expected to disrupt TRPV4 protein function. This variant has not been reported in the literature in individuals affected with TRPV4-related conditions. This variant is not present in population databases (gnomAD no frequency). This sequence change replaces asparagine, which is neutral and polar, with threonine, which is neutral and polar, at codon 651 of the TRPV4 protein (p.Asn651Thr).